The following is an entry in ClinVar:

ClinVar aggregate classification (germline): Uncertain significance (1 of 4 stars; one submission).

Conditions:
Hereditary cancer-predisposing syndrome. Also called: Neoplastic Syndromes, Hereditary; Tumor predisposition; Hereditary Cancer Syndrome; Hereditary neoplastic syndrome. Identifiers: Orphanet 140162, MedGen C0027672, MeSH D009386, MONDO:0015356.

Submission:

Ambry Genetics
Classification: Uncertain significance for Hereditary cancer-predisposing syndrome. Last evaluated: 2021-11-24. Review status: criteria provided, single submitter. Criteria: Ambry Variant Classification Scheme 2023. Collection method: clinical testing. Allele origin: germline.
Comment: The p.L1231V variant (also known as c.3691T>G), located in coding exon 24 of the ATM gene, results from a T to G substitution at nucleotide position 3691. The leucine at codon 1231 is replaced by valine, an amino acid with highly similar properties. This amino acid position is conserved. In addition, this alteration is predicted to be tolerated by in silico analysis. Since supporting evidence is limited at this time, the clinical significance of this alteration remains unclear.

NM_000051.4(ATM):c.3691T>G (p.Leu1231Val)

Gene: ATM (ATM serine/threonine kinase; plus strand). Cytogenetic location: 11q22.3.
Variant type: single nucleotide variant.
Coding change: c.3691T>G on transcript NM_000051.4 (MANE Select); coding-DNA position 3691, T replaced by G.
Protein change: p.Leu1231Val; replaces leucine 1231 with valine.
Molecular consequence: missense variant.
Genome position (GRCh38, 1-based): chr11:108,282,824, T>G. VCF-style: chr11-108282824-T-G. GRCh37 (hg19) VCF-style: chr11-108153551-T-G.
Other names: c.3691T>G, p.Leu1231Val (NM_001351834.2); short protein forms L1231V.
Identifiers: ClinVar variation 1733971 (VCV001733971.2), dbSNP rs1210990672, ClinGen allele CA382523485.